The following is an entry in ClinVar:

ClinVar aggregate classification (germline): Conflicting classifications of pathogenicity. Review status: criteria provided, conflicting classifications (1 of 4 stars). 2 submissions from 2 submitters: Uncertain significance (1); Likely benign (1). Last evaluated 2025-11-12.

Conditions:
Menkes kinky-hair syndrome (MNK). Also called: Copper transport disease; Menkes Disease; Classic Menkes Disease. Identifiers: Orphanet 565, MedGen C0022716, MONDO:0010651, OMIM 309400.
Cutis laxa, X-linked (OHS). Also called: EDS IX; Occipital horn syndrome. Identifiers: Orphanet 198, MedGen C0268353, MONDO:0010572, OMIM 304150.
X-linked distal spinal muscular atrophy type 3. Also called: SPINAL MUSCULAR ATROPHY, DISTAL, X-LINKED RECESSIVE; NEURONOPATHY, DISTAL HEREDITARY MOTOR, X-LINKED; NEUROPATHY, DISTAL HEREDITARY MOTOR, X-LINKED; ATP7A-Related Distal Motor Neuropathy. Identifiers: Orphanet 139557, MedGen C1845359, MONDO:0010338, OMIM 300489.

Allele frequency attached by ClinVar (database versions not stated): gnomAD 0.00001; gnomAD exomes 0.00001.
gnomAD v4.1: 9 of 1,209,226 alleles (0.00074%); highest among the groups gnomAD compares: East Asian, 0.003%; no homozygotes.

Submissions (2):

Labcorp Genetics (formerly Invitae), Labcorp
Classification: Likely benign for X-linked distal spinal muscular atrophy type 3; Cutis laxa, X-linked; Menkes kinky-hair syndrome. Last evaluated: 2025-11-12. Review status: criteria provided, single submitter. Criteria: Invitae Variant Classification Sherloc (09022015). Collection method: clinical testing. Allele origin: germline.

GeneDx
Classification: Uncertain significance. Last evaluated: 2023-07-18. Review status: criteria provided, single submitter. Criteria: GeneDx Variant Classification Process June 2021. Collection method: clinical testing. Allele origin: germline. Affected: yes.
Comment: In silico analysis supports that this missense variant does not alter protein structure/function; Has not been previously published as pathogenic or benign to our knowledge

NM_000052.7(ATP7A):c.1349C>T (p.Pro450Leu)

Gene: ATP7A (ATPase copper transporting alpha; plus strand). Cytogenetic location: Xq21.1.
Variant type: single nucleotide variant.
Coding change: c.1349C>T on transcript NM_000052.7 (MANE Select); coding-DNA position 1349, C replaced by T.
Protein change: p.Pro450Leu; replaces proline 450 with leucine.
Molecular consequence: missense variant.
Genome position (GRCh38, 1-based): chrX:77,998,490, C>T. VCF-style: chrX-77998490-C-T. GRCh37 (hg19) VCF-style: chrX-77253987-C-T.
Other names: c.1349C>T (NM_000052.4); c.1349C>T, p.Pro450Leu (NM_001282224.2); short protein forms P450L.
Identifiers: ClinVar variation 2165974 (VCV002165974.5), dbSNP rs1313711010, ClinGen allele CA413594039.
Genomic context (GRCh38, chrX:77,998,490, plus strand): 5'-TTGAATGATCAATACTGCAAATGAAAAGAATCTTTCCCTTTCTACCAGACACGAATGAGC[C>T]GTTGGTAGTAATAGCTCAGCCTTCATCGGAAATGCCGCTTTTGACTTCAACTAATGAATT-3'
Protein context (NP_000043.4, residues 440-460): FDATLSDTNE[Pro450Leu]LVVIAQPSSE